The following is an entry in ClinVar:

NM_198994.3(TGM6):c.238G>A (p.Glu80Lys)

Gene: TGM6 (transglutaminase 6; plus strand). Cytogenetic location: 20p13.
Variant type: single nucleotide variant.
Coding change: c.238G>A on transcript NM_198994.3 (MANE Select); coding-DNA position 238, G replaced by A.
Protein change: p.Glu80Lys; replaces glutamic acid 80 with lysine.
Molecular consequence: missense variant.
Genome position (GRCh38, 1-based): chr20:2,395,250, G>A. VCF-style: chr20-2395250-G-A. GRCh37 (hg19) VCF-style: chr20-2375896-G-A.
Other names: c.238G>A, p.Glu80Lys (NM_001254734.2); short protein forms E80K.
Identifiers: ClinVar variation 2821322 (VCV002821322.3), dbSNP rs2514367760, ClinGen allele CA408008909.
Genomic context (GRCh38, chr20:2,395,250, plus strand): 5'-CCAGGACCCCGGGCTTCTGAGGCCCTCCACACCAAAGCTGTGTTCCAGACATCGGAGCTG[G>A]AGCGGGGTGAGGGCTGGACAGCAGCAAGGGAGGCTCAGATGGAGAAAACTCTGACCGTCA-3'
Protein context (NP_945345.2, residues 70-90): TKAVFQTSEL[Glu80Lys]RGEGWTAARE

ClinVar aggregate classification (germline): Uncertain significance (1 of 4 stars; one submission).

Submission:

Labcorp Genetics (formerly Invitae), Labcorp
Classification: Uncertain significance. Last evaluated: 2022-12-16. Review status: criteria provided, single submitter. Criteria: Invitae Variant Classification Sherloc (09022015). Collection method: clinical testing. Allele origin: germline.
Comment: This variant has not been reported in the literature in individuals affected with TGM6-related conditions. This variant is not present in population databases (gnomAD no frequency). This sequence change replaces glutamic acid, which is acidic and polar, with lysine, which is basic and polar, at codon 80 of the TGM6 protein (p.Glu80Lys). Advanced modeling of protein sequence and biophysical properties (such as structural, functional, and spatial information, amino acid conservation, physicochemical variation, residue mobility, and thermodynamic stability) performed at Invitae indicates that this missense variant is not expected to disrupt TGM6 protein function. In summary, the available evidence is currently insufficient to determine the role of this variant in disease. Therefore, it has been classified as a Variant of Uncertain Significance.